The following is an entry in ClinVar:

ClinVar aggregate classification (germline): Uncertain significance. Review status: criteria provided, multiple submitters, no conflicts (2 of 4 stars). 2 submissions from 2 submitters: Uncertain significance (2). Last evaluated 2025-02-07.

Conditions:
Inborn genetic diseases. Identifiers: MedGen C0950123, MeSH D030342.

gnomAD v4.1: 1 of 1,612,928 alleles (0.000062%); highest among the groups gnomAD compares: African/African-American, 0.0013%; no homozygotes.

Submissions (2):

Ambry Genetics
Classification: Uncertain significance for Inborn genetic diseases. Last evaluated: 2025-02-07. Review status: criteria provided, single submitter. Criteria: Ambry Variant Classification Scheme 2023. Collection method: clinical testing. Allele origin: germline.

Mayo Clinic Laboratories, Mayo Clinic
Classification: Uncertain significance. Last evaluated: 2024-07-01. Review status: criteria provided, single submitter. Criteria: ACMG Guidelines, 2015. Collection method: clinical testing. Allele origin: germline. Observed: 1 variant allele.
Comment: PM2

NM_001710.6(CFB):c.322G>C (p.Asp108His)

Gene: CFB (complement factor B; plus strand). Cytogenetic location: 6p21.33.
Variant type: single nucleotide variant.
Coding change: c.322G>C on transcript NM_001710.6 (MANE Select); coding-DNA position 322, G replaced by C.
Protein change: p.Asp108His; replaces aspartic acid 108 with histidine.
Molecular consequence: missense variant.
Genome position (GRCh38, 1-based): chr6:31,947,030, G>C. VCF-style: chr6-31947030-G-C. GRCh37 (hg19) VCF-style: chr6-31914807-G-C.
Other names: p.Asp108His; short protein forms D108H.
Identifiers: ClinVar variation 3379647 (VCV003379647.2).